The following is an entry in ClinVar:

NM_000540.3(RYR1):c.2786+2T>G

Gene: RYR1 (ryanodine receptor 1; plus strand). Cytogenetic location: 19q13.2.
Variant type: single nucleotide variant.
Coding change: c.2786+2T>G on transcript NM_000540.3 (MANE Select); the canonical splice donor site of the intron after coding-DNA position 2786, T replaced by G.
Molecular consequence: splice donor variant.
Genome position (GRCh38, 1-based): chr19:38,463,852, T>G. VCF-style: chr19-38463852-T-G. GRCh37 (hg19) VCF-style: chr19-38954492-T-G.
Other names: c.2786+2T>G (NM_001042723.2).
Identifiers: ClinVar variation 851270 (VCV000851270.8), dbSNP rs1967928524, ClinGen allele CA405632862.

ClinVar aggregate classification (germline): Likely pathogenic (1 of 4 stars; one submission).

Conditions:
RYR1-related disorder. Also called: RYR1-related disorders; RYR1-related condition. Identifiers: MedGen CN239331.

Submission:

Labcorp Genetics (formerly Invitae), Labcorp
Classification: Likely pathogenic for RYR1-related disorder. Last evaluated: 2021-02-18. Review status: criteria provided, single submitter. Criteria: Invitae Variant Classification Sherloc (09022015). Collection method: clinical testing. Allele origin: germline.
Comment: This sequence change affects a donor splice site in intron 22 of the RYR1 gene. It is expected to disrupt RNA splicing and likely results in an absent or disrupted protein product. This variant is not present in population databases (ExAC no frequency). This variant has not been reported in the literature in individuals with RYR1-related conditions. Donor and acceptor splice site variants typically lead to a loss of protein function (PMID: 16199547), and loss-of-function variants in RYR1 are known to be pathogenic (PMID: 20583297, 20839240, 23919265, 28818389). In summary, the currently available evidence indicates that the variant is pathogenic, but additional data are needed to prove that conclusively. Therefore, this variant has been classified as Likely Pathogenic.

Literature cited by the submitters: PubMed 16199547; PubMed 20583297; PubMed 20839240; PubMed 23919265; PubMed 28818389.